The following is an entry in ClinVar:

ClinVar aggregate classification (germline): Uncertain significance. Review status: reviewed by expert panel (3 of 4 stars). 2 submissions from 2 submitters: Uncertain significance (1). 1 of the submissions does not count toward it. Last evaluated 2024-10-14.

Conditions:
Mitochondrial disease. Also called: Mitochondrial disorder; Mitochondrial disorders. Identifiers: Orphanet 68380, MedGen C0751651, MeSH D028361, MONDO:0044970.

Submissions (2):

ClinGen Mitochondrial Disease Nuclear and Mitochondrial  Variant Curation Expert Panel, ClinGen
Classification: Uncertain significance for Mitochondrial disease. Last evaluated: 2024-10-14. Review status: reviewed by expert panel. Criteria: clingen mito disease acmg specifications v1-1. Collection method: curation. Allele origin: germline. Inheritance: Mitochondrial inheritance.
Comment: The m.4983C>T (p.Q172Term) variant in MT-ND2 was reviewed by the Mitochondrial Disease Variant Curation Expert Panel on October 14, 2024. There are no individuals with this variant reported in the medical literature to our knowledge. There is one prior report in ClinVar for this variant, however details are not provided precluding consideration of this case for this curation. As such, there are no reported de novo occurrences or large families to consider for evidence of variant segregation. This variant is absent in the GenBank dataset, Helix dataset, and gnomAD v3.1.2 (PM2_supporting). There are no in silico predictors for this type of variant in mitochondrial DNA. This variant results in a significant truncation of the MT-ND2 protein (PVS1_strong). There are no cybrids, single fiber studies, or other functional assays reported on this variant. In summary, this variant meets criteria to be classified as uncertain significance for primary mitochondrial disease inherited in a mitochondrial manner. This classification was approved by the NICHD/NINDS U24 ClinGen Mitochondrial Disease Variant Curation Expert Panel on October 14, 2024. Mitochondrial DNA-specific ACMG/AMP criteria applied (PMID: 32906214): PVS1_strong, PM2_supporting.

ARUP Laboratories, Molecular Genetics and Genomics, ARUP Laboratories
Classification: Likely pathogenic. Last evaluated: 2017-11-22. Review status: criteria provided, single submitter. Criteria: ARUP Molecular Germline Variant Investigation Process. Collection method: clinical testing. Allele origin: germline. Not counted in ClinVar's aggregate classification.
Comment: The m.4983C>T variant introduces a premature termination codon into the MT-ND2 gene and is predicted to result in a truncated or absent protein product. This variant is also not listed in MITOMAP. Therefore, this variant is likely to be pathogenic.

NC_012920.1(MT-ND2):m.4983C>T

Gene: MT-ND2 (mitochondrially encoded NADH dehydrogenase 2; plus strand).
Variant type: single nucleotide variant.
Genome position: chrM-4983-C-T.
Identifiers: ClinVar variation 439962 (VCV000439962.9), dbSNP rs1556422937, ClinGen allele CA414778366.
Genomic context (GRCh38, chrMT:4,983, plus strand): 5'-AGCCTTCTCCTCACTCTCTCAATCTTATCCATCATAGCAGGCAGTTGAGGTGGATTAAAC[C>T]AAACCCAGCTACGCAAAATCTTAGCATACTCCTCAATTACCCACATAGGATGAATAATAG-3'